The following is an entry in ClinVar:

NM_014918.5(CHSY1):c.226G>A (p.Asp76Asn)

Genes: CHSY1 (chondroitin sulfate synthase 1; minus strand), LOC130058068 (ATAC-STARR-seq lymphoblastoid silent region 6885; plus strand). Cytogenetic location: 15q26.3.
Variant type: single nucleotide variant.
Coding change: c.226G>A on transcript NM_014918.5 (MANE Select); coding-DNA position 226, G replaced by A.
Protein change: p.Asp76Asn; replaces aspartic acid 76 with asparagine.
Molecular consequence: missense variant.
Genome position (GRCh38, 1-based): chr15:101,251,231, C>T on the plus strand (G>A on the coding strand, the complement: CHSY1 is on the minus strand). VCF-style: chr15-101251231-C-T. GRCh37 (hg19) VCF-style: chr15-101791436-C-T.
Other names: short protein forms D76N.
Identifiers: ClinVar variation 2821776 (VCV002821776.3), dbSNP rs2505429863, ClinGen allele CA393971202.

ClinVar aggregate classification (germline): Uncertain significance (1 of 4 stars; one submission).

Conditions:
Temtamy preaxial brachydactyly syndrome (TPBS). Identifiers: Orphanet 363417, MedGen C1854466, MONDO:0011533, OMIM 605282.

Submission:

Labcorp Genetics (formerly Invitae), Labcorp
Classification: Uncertain significance for Temtamy preaxial brachydactyly syndrome. Last evaluated: 2022-12-17. Review status: criteria provided, single submitter. Criteria: Invitae Variant Classification Sherloc (09022015). Collection method: clinical testing. Allele origin: germline.
Comment: This sequence change replaces aspartic acid, which is acidic and polar, with asparagine, which is neutral and polar, at codon 76 of the CHSY1 protein (p.Asp76Asn). This variant is not present in population databases (gnomAD no frequency). This variant has not been reported in the literature in individuals affected with CHSY1-related conditions. Advanced modeling of protein sequence and biophysical properties (such as structural, functional, and spatial information, amino acid conservation, physicochemical variation, residue mobility, and thermodynamic stability) performed at Invitae indicates that this missense variant is not expected to disrupt CHSY1 protein function. In summary, the available evidence is currently insufficient to determine the role of this variant in disease. Therefore, it has been classified as a Variant of Uncertain Significance.